The following is an entry in ClinVar:

ClinVar aggregate classification (germline): Uncertain significance. Review status: criteria provided, multiple submitters, no conflicts (2 of 4 stars). 3 submissions from 3 submitters: Uncertain significance (3). Last evaluated 2023-04-11.

Conditions:
Intellectual developmental disorder, autosomal dominant 52. Also called: Intellectual disability, autosomal dominant 52; Mental retardation, autosomal dominant 52. Identifiers: MedGen C4540478, MONDO:0030918, OMIM 617796.

gnomAD v4.1: 1 of 1,613,974 alleles (0.000062%); highest among the groups gnomAD compares: Non-Finnish European, 0.000085%; no homozygotes.

Submissions (3):

Genome-Nilou Lab
Classification: Uncertain significance for Intellectual developmental disorder, autosomal dominant 52. Last evaluated: 2023-04-11. Review status: criteria provided, single submitter. Criteria: ACMG Guidelines, 2015. Collection method: clinical testing. Allele origin: germline. Affected: no.

Centre of Medical Genetics, University Hospital Muenster
Classification: Uncertain significance. Last evaluated: 2022-10-19. Review status: criteria provided, single submitter. Criteria: ACMG Guidelines, 2015. Collection method: clinical testing. Allele origin: unknown. Affected: yes. Observed: 1 variant allele, 1 heterozygote.
Comment: ACMG categories: PM2

CeGaT Center for Human Genetics Tuebingen
Classification: Uncertain significance. Last evaluated: 2021-12-01. Review status: criteria provided, single submitter. Criteria: CeGaT Center For Human Genetics Tuebingen Variant Classification Criteria Version 2. Collection method: clinical testing. Allele origin: germline. Affected: yes. Observed: 1 variant allele.

NM_018489.3(ASH1L):c.7873C>A (p.Pro2625Thr)

Genes: ASH1L (ASH1 like histone lysine methyltransferase; minus strand), MIR555 (microRNA 555; minus strand). Cytogenetic location: 1q22.
Variant type: single nucleotide variant.
Coding change: c.7873C>A on transcript NM_018489.3 (MANE Select); coding-DNA position 7873, C replaced by A.
Protein change: p.Pro2625Thr; replaces proline 2625 with threonine.
Molecular consequence: missense variant. On other transcripts: non-coding transcript variant (1).
Genome position (GRCh38, 1-based): chr1:155,346,400, G>T on the plus strand (C>A on the coding strand, the complement: ASH1L is on the minus strand). VCF-style: chr1-155346400-G-T. GRCh37 (hg19) VCF-style: chr1-155316191-G-T.
Other names: c.7888C>A, p.Pro2630Thr (NM_001366177.2); short protein forms P2625T, P2630T.
Identifiers: ClinVar variation 1334990 (VCV001334990.38), dbSNP rs2148332270, ClinGen allele CA342734041.